The following is an entry in ClinVar:

ClinVar aggregate classification (germline): Pathogenic (1 of 4 stars; one submission).

Conditions:
Polycystic kidney disease, adult type (PKD1). Also called: Polycystic Kidney Disease 1, Autosomal Dominant; Polycystic kidney disease 1; Polycystic kidney disease 1, severe; POLYCYSTIC KIDNEY DISEASE, ADULT, TYPE I; Polycystic Kidney, Autosomal Dominant; POLYCYSTIC KIDNEY DISEASE 1 WITH OR WITHOUT POLYCYSTIC LIVER DISEASE. Identifiers: MedGen C3149841, MONDO:0008263, OMIM 173900.

Submission:

Women's Health and Genetics/Laboratory Corporation of America, LabCorp
Classification: Pathogenic for Polycystic kidney disease, adult type. Last evaluated: 2025-02-24. Review status: criteria provided, single submitter. Criteria: LabCorp Variant Classification Summary - May 2015. Collection method: clinical testing. Allele origin: germline.
Comment: Variant summary: PKD1 c.7704delG (p.Arg2568SerfsX52) results in a premature termination codon, predicted to cause absence of the protein due to nonsense mediated decay, which is a commonly known mechanism for disease. The variant was absent in 239344 control chromosomes. c.7704delG has been reported in the literature in one individual affected with autosomal dominant Polycystic Kidney Disease (Rossetti_2007). To our knowledge, no experimental evidence demonstrating an impact on protein function has been reported. The following publication has been ascertained in the context of this evaluation (PMID: 17582161). No submitters have cited clinical-significance assessments for this variant to ClinVar. Based on the evidence outlined above, the variant was classified as pathogenic.

Literature cited by the submitters: PubMed 17582161.

NM_001009944.3(PKD1):c.7704delG

Gene: PKD1 (polycystin 1, transient receptor potential channel interacting; minus strand). Cytogenetic location: 16p13.3.
Variant type: Deletion.
Coding change: c.7704delG on transcript NM_001009944.3 (MANE Select); coding-DNA position 7704, one base deleted (G).
Molecular consequence: splice acceptor variant.
Genome position (GRCh38, 1-based): chr16:2,106,024, C deleted on the plus strand (G on the coding strand, the reverse complement: PKD1 is on the minus strand); the first of 2 consecutive C bases (chr16:2,106,024-2,106,025); deleting either gives the same sequence. VCF-style (leftmost placement, unchanged base first): chr16-2106023-AC-A. GRCh37 (hg19) VCF-style: chr16-2156024-AC-A.
Identifiers: ClinVar variation 3768853 (VCV003768853.1).